The following is an entry in ClinVar:

NM_000222.3(KIT):c.280A>C (p.Lys94Gln)

Gene: KIT (KIT proto-oncogene, receptor tyrosine kinase; plus strand). Cytogenetic location: 4q12.
Variant type: single nucleotide variant.
Coding change: c.280A>C on transcript NM_000222.3 (MANE Select); coding-DNA position 280, A replaced by C.
Protein change: p.Lys94Gln; replaces lysine 94 with glutamine.
Molecular consequence: missense variant.
Genome position (GRCh38, 1-based): chr4:54,695,724, A>C. VCF-style: chr4-54695724-A-C. GRCh37 (hg19) VCF-style: chr4-55561890-A-C.
Other names: c.280A>C, p.Lys94Gln (NM_001093772.2, NM_001385284.1, NM_001385285.1 and 4 more transcripts); short protein forms K94Q.
Identifiers: ClinVar variation 1796300 (VCV001796300.4), dbSNP rs146081659, ClinGen allele CA356897233.

ClinVar aggregate classification (germline): Uncertain significance. Review status: criteria provided, multiple submitters, no conflicts (2 of 4 stars). 2 submissions from 2 submitters: Uncertain significance (2). Last evaluated 2024-09-29.

Conditions:
Hereditary cancer-predisposing syndrome. Also called: Neoplastic Syndromes, Hereditary; Tumor predisposition; Hereditary Cancer Syndrome; Hereditary neoplastic syndrome. Identifiers: Orphanet 140162, MedGen C0027672, MeSH D009386, MONDO:0015356.
Gastrointestinal stromal tumor. Also called: Gastrointestinal stromal tumor, somatic; Gastrointestinal stroma tumor. Identifiers: Orphanet 44890, MedGen C0238198, MeSH D046152, MONDO:0011719, OMIM 606764, HP:0100723.

Submissions (2):

Labcorp Genetics (formerly Invitae), Labcorp
Classification: Uncertain significance for Gastrointestinal stromal tumor. Last evaluated: 2024-09-29. Review status: criteria provided, single submitter. Criteria: Invitae Variant Classification Sherloc (09022015). Collection method: clinical testing. Allele origin: germline.
Comment: This sequence change replaces lysine, which is basic and polar, with glutamine, which is neutral and polar, at codon 94 of the KIT protein (p.Lys94Gln). This variant is not present in population databases (gnomAD no frequency). This variant has not been reported in the literature in individuals affected with KIT-related conditions. ClinVar contains an entry for this variant (Variation ID: 1796300). An algorithm developed to predict the effect of missense changes on protein structure and function (PolyPhen-2) suggests that this variant is likely to be tolerated. In summary, the available evidence is currently insufficient to determine the role of this variant in disease. Therefore, it has been classified as a Variant of Uncertain Significance.

Ambry Genetics
Classification: Uncertain significance for Hereditary cancer-predisposing syndrome. Last evaluated: 2022-06-28. Review status: criteria provided, single submitter. Criteria: Ambry Variant Classification Scheme 2023. Collection method: clinical testing. Allele origin: germline.
Comment: The p.K94Q variant (also known as c.280A>C), located in coding exon 2 of the KIT gene, results from an A to C substitution at nucleotide position 280. The lysine at codon 94 is replaced by glutamine, an amino acid with similar properties. This amino acid position is conserved. In addition, this alteration is predicted to be tolerated by in silico analysis. Since supporting evidence is limited at this time, the clinical significance of this alteration remains unclear.